The following is an entry in ClinVar:

NM_019842.4(KCNQ5):c.1464A>G (p.Ile488Met)

Gene: KCNQ5 (potassium voltage-gated channel subfamily Q member 5; plus strand). Cytogenetic location: 6q13.
Variant type: single nucleotide variant.
Coding change: c.1464A>G on transcript NM_019842.4 (MANE Select); coding-DNA position 1464, A replaced by G.
Protein change: p.Ile488Met; replaces isoleucine 488 with methionine.
Molecular consequence: missense variant. On other transcripts: intron variant (1).
Genome position (GRCh38, 1-based): chr6:73,133,637, A>G. VCF-style: chr6-73133637-A-G. GRCh37 (hg19) VCF-style: chr6-73843360-A-G.
Other names: c.1437A>G, p.Ile479Met (NM_001160130.2); c.1494A>G, p.Ile498Met (NM_001160132.2); c.1521A>G, p.Ile507Met (NM_001160133.2); c.1247+9125A>G (NM_001160134.2); short protein forms I488M, I479M, I498M, I507M.
Identifiers: ClinVar variation 1975419 (VCV001975419.5), dbSNP rs868260246, ClinGen allele CA141505981.

ClinVar aggregate classification (germline): Uncertain significance (1 of 4 stars; one submission).

Allele frequency attached by ClinVar (database versions not stated): gnomAD exomes below 0.00001; gnomAD 0.00001.
gnomAD v4.1: 6 of 1,613,968 alleles (0.00037%); highest among the groups gnomAD compares: African/African-American, 0.004%; no homozygotes.

Submission:

Labcorp Genetics (formerly Invitae), Labcorp
Classification: Uncertain significance. Last evaluated: 2024-10-31. Review status: criteria provided, single submitter. Criteria: Invitae Variant Classification Sherloc (09022015). Collection method: clinical testing. Allele origin: germline.
Comment: This sequence change replaces isoleucine, which is neutral and non-polar, with methionine, which is neutral and non-polar, at codon 507 of the KCNQ5 protein (p.Ile507Met). This variant is not present in population databases (gnomAD no frequency). This variant has not been reported in the literature in individuals affected with KCNQ5-related conditions. ClinVar contains an entry for this variant (Variation ID: 1975419). Invitae Evidence Modeling of protein sequence and biophysical properties (such as structural, functional, and spatial information, amino acid conservation, physicochemical variation, residue mobility, and thermodynamic stability) indicates that this missense variant is not expected to disrupt KCNQ5 protein function with a negative predictive value of 80%. In summary, the available evidence is currently insufficient to determine the role of this variant in disease. Therefore, it has been classified as a Variant of Uncertain Significance.